The following is an entry in ClinVar:

NM_021625.5(TRPV4):c.2457G>A (p.Arg819=)

Gene: TRPV4 (transient receptor potential cation channel subfamily V member 4; minus strand). Cytogenetic location: 12q24.11.
Variant type: single nucleotide variant.
Coding change: c.2457G>A on transcript NM_021625.5 (MANE Select); coding-DNA position 2457, G replaced by A.
Protein change: p.Arg819=; no amino-acid change (arginine 819 retained).
Molecular consequence: synonymous variant.
Genome position (GRCh38, 1-based): chr12:109,784,317, C>T on the plus strand (G>A on the coding strand, the complement: TRPV4 is on the minus strand). VCF-style: chr12-109784317-C-T. GRCh37 (hg19) VCF-style: chr12-110222122-C-T.
Other names: c.2316G>A, p.Arg772= (NM_001177428.2); c.2355G>A, p.Arg785= (NM_001177431.2); c.2136G>A, p.Arg712= (NM_001177433.2); c.2277G>A, p.Arg759= (NM_147204.3).
Identifiers: ClinVar variation 2858777 (VCV002858777.3), dbSNP rs2548708456, ClinGen allele CA481723981.

ClinVar aggregate classification (germline): Uncertain significance (1 of 4 stars; one submission).

Conditions:
Charcot-Marie-Tooth disease axonal type 2C (HMSN2C). Also called: CHARCOT-MARIE-TOOTH DISEASE, AXONAL, AUTOSOMAL DOMINANT, TYPE 2C; Charcot-Marie-Tooth Neuropathy Type 2C; Charcot-Marie-Tooth Disease Type 2, TRPV4-Related (CMT2C). Identifiers: Orphanet 99937, MedGen C1853710, MONDO:0011633, OMIM 606071.

Submission:

Labcorp Genetics (formerly Invitae), Labcorp
Classification: Uncertain significance for Charcot-Marie-Tooth disease axonal type 2C. Last evaluated: 2023-04-24. Review status: criteria provided, single submitter. Criteria: Invitae Variant Classification Sherloc (09022015). Collection method: clinical testing. Allele origin: germline.
Comment: Algorithms developed to predict the effect of sequence changes on RNA splicing suggest that this variant is not likely to affect RNA splicing. This variant has not been reported in the literature in individuals affected with TRPV4-related conditions. This variant is not present in population databases (gnomAD no frequency). This sequence change affects codon 819 of the TRPV4 mRNA. It is a 'silent' change, meaning that it does not change the encoded amino acid sequence of the TRPV4 protein. It affects a nucleotide within the consensus splice site. In summary, the available evidence is currently insufficient to determine the role of this variant in disease. Therefore, it has been classified as a Variant of Uncertain Significance.